The following is an entry in ClinVar:

ClinVar aggregate classification (germline): Benign (0 of 4 stars; one submission).

Conditions:
CRYL1-related disorder. Also called: CRYL1-related condition.

Allele frequency attached by ClinVar (database versions not stated): ExAC 0.00180; gnomAD 0.00540; 1000 Genomes Project 0.00599; TOPMed 0.00600; ESP Exome Variant Server 0.00640; 1000 Genomes Project 30x 0.00718.
gnomAD v4.1: 1,504 of 1,614,032 alleles (0.093%); highest among the groups gnomAD compares: African/African-American, 1.8%; 13 homozygotes.

Submission:

PreventionGenetics, part of Exact Sciences
Classification: Benign for CRYL1-related condition. Last evaluated: 2019-05-02. Review status: no assertion criteria provided. Collection method: clinical testing. Allele origin: germline.
Comment: This variant is classified as benign based on ACMG/AMP sequence variant interpretation guidelines (Richards et al. 2015 PMID: 25741868, with internal and published modifications).

NM_015974.3(CRYL1):c.72G>C (p.Leu24=)

Gene: CRYL1 (crystallin lambda 1; minus strand). Cytogenetic location: 13q12.11.
Variant type: single nucleotide variant.
Coding change: c.72G>C on transcript NM_015974.3 (MANE Select); coding-DNA position 72, G replaced by C.
Protein change: p.Leu24=; no amino-acid change (leucine 24 retained).
Molecular consequence: synonymous variant.
Genome position (GRCh38, 1-based): chr13:20,512,520, C>G on the plus strand (G>C on the coding strand, the complement: CRYL1 is on the minus strand). VCF-style: chr13-20512520-C-G. GRCh37 (hg19) VCF-style: chr13-21086659-C-G.
Other names: c.72G>C, p.Leu24= (NM_001363647.2).
Identifiers: ClinVar variation 3037350 (VCV003037350.2), dbSNP rs112911946, ClinGen allele CA6904871.
Genomic context (GRCh38, chr13:20,512,520, plus strand): 5'-GTTCCTTATCTGCTGTTGCTCAATGTCATAGAGTTTCACCTGGAAGCCTCCACTGGCAAA[C>G]AGCATGGCCCAGCTTCGCCCAATGACTCCACTGAAGGGAGATAAAAGAAAGGATTCGAGT-3'
Protein context (NP_057058.2, residues 14-34): SGVIGRSWAM[Leu24=]FASGGFQVKL